The following is an entry in ClinVar:

ClinVar aggregate classification (germline): Conflicting classifications of pathogenicity. Review status: criteria provided, conflicting classifications (1 of 4 stars). 3 submissions from 3 submitters: Uncertain significance (2); Likely benign (1). Last evaluated 2024-11-19.

Conditions:
Hereditary cancer-predisposing syndrome. Also called: Tumor predisposition; Hereditary neoplastic syndrome; Neoplastic Syndromes, Hereditary; Hereditary Cancer Syndrome. Identifiers: Orphanet 140162, MedGen C0027672, MeSH D009386, MONDO:0015356.
Hereditary breast ovarian cancer syndrome. Also called: Hereditary breast and ovarian cancer; BRCA1- and BRCA2-Associated Hereditary Breast and Ovarian Cancer; Hereditary breast and ovarian cancer syndrome; Hereditary breast and ovarian cancer syndrome (HBOC); Breast and ovarian cancer; Hereditary breast and/or ovarian cancer syndrome. Identifiers: Orphanet 145, MedGen C0677776, MeSH D061325, MONDO:0003582. Disease mechanism: loss of function.
Breast neoplasm. Also called: Neoplasm of breast; Breast tumor; Neoplasm of the breast; Breast Neoplasms. Identifiers: MedGen C1458155, MeSH D001943, MONDO:0021100, HP:0100013. Disease mechanism: gain of function.

Allele frequency attached by ClinVar (database versions not stated): gnomAD 0.00001; TOPMed 0.00001.
gnomAD v4.1: 1 of 1,613,808 alleles (0.000062%); highest among the groups gnomAD compares: Non-Finnish European, 0.000085%; no homozygotes.

Submissions (3):

Labcorp Genetics (formerly Invitae), Labcorp
Classification: Uncertain significance for Hereditary breast ovarian cancer syndrome. Last evaluated: 2024-11-19. Review status: criteria provided, single submitter. Criteria: Invitae Variant Classification Sherloc (09022015). Collection method: clinical testing. Allele origin: germline.
Comment: This sequence change replaces serine, which is neutral and polar, with threonine, which is neutral and polar, at codon 1024 of the BRCA1 protein (p.Ser1024Thr). This variant is not present in population databases (gnomAD no frequency). This missense change has been observed in individual(s) with hereditary breast and/or ovarian cancer (PMID: 30702160). ClinVar contains an entry for this variant (Variation ID: 224431). Invitae Evidence Modeling of protein sequence and biophysical properties (such as structural, functional, and spatial information, amino acid conservation, physicochemical variation, residue mobility, and thermodynamic stability) indicates that this missense variant is not expected to disrupt BRCA1 protein function with a negative predictive value of 80%. In summary, the available evidence is currently insufficient to determine the role of this variant in disease. Therefore, it has been classified as a Variant of Uncertain Significance.

University of Washington Department of Laboratory Medicine, University of Washington
Classification: Likely benign for Hereditary cancer-predisposing syndrome. Last evaluated: 2023-03-23. Review status: criteria provided, single submitter. Criteria: Dines et al. (Genet Med. 2020). Collection method: curation. Allele origin: germline.
Comment: Missense variant in a coldspot region where missense variants are very unlikely to be pathogenic (PMID:31911673).

BRCA1 coldspot (exon 11 using historical exon numbering). Reclassification based on statistical prior probability

Laboratory of Molecular Diagnosis of Cancer, West China Hospital, Sichuan University
Classification: Uncertain significance for Breast neoplasm. Last evaluated: 2015-11-01. Review status: criteria provided, single submitter. Criteria: ACMG Guidelines, 2015. Collection method: research. Allele origin: somatic. Affected: yes. Observed: 1 variant allele.

Literature cited by the submitters: PubMed 30702160 (cited by Labcorp Genetics (formerly Invitae), Labcorp); PubMed 27257965 (cited by Laboratory of Molecular Diagnosis of Cancer, West China Hospital, Sichuan University).

NM_007294.4(BRCA1):c.3071G>C (p.Ser1024Thr)

Gene: BRCA1 (BRCA1 DNA repair associated; minus strand). Cytogenetic location: 17q21.31.
Variant type: single nucleotide variant.
Coding change: c.3071G>C on transcript NM_007294.4 (MANE Select); coding-DNA position 3071, G replaced by C.
Protein change: p.Ser1024Thr; replaces serine 1024 with threonine.
Molecular consequence: missense variant. On other transcripts: intron variant (137).
Genome position (GRCh38, 1-based): chr17:43,092,460, C>G on the plus strand (G>C on the coding strand, the complement: BRCA1 is on the minus strand). VCF-style: chr17-43092460-C-G. GRCh37 (hg19) VCF-style: chr17-41244477-C-G.
Other names: c.2858G>C, p.Ser953Thr (NM_001407571.1, NM_001407853.1, NM_001407894.1 and 9 more transcripts); c.3071G>C, p.Ser1024Thr (NM_001407581.1, NM_001407582.1, NM_001407583.1 and 30 more transcripts); c.3068G>C, p.Ser1023Thr (NM_001407587.1, NM_001407590.1, NM_001407591.1 and 22 more transcripts); c.3062G>C, p.Ser1021Thr (NM_001407646.1, NM_001407647.1); c.2948G>C, p.Ser983Thr (NM_001407648.1, NM_001407664.1, NM_001407665.1 and 19 more transcripts); c.2945G>C, p.Ser982Thr (NM_001407649.1, NM_001407670.1, NM_001407671.1 and 11 more transcripts); c.2993G>C, p.Ser998Thr (NM_001407653.1, NM_001407654.1, NM_001407655.1 and 4 more transcripts); c.2990G>C, p.Ser997Thr (NM_001407659.1, NM_001407660.1, NM_001407661.1 and 1 more transcripts); and 41 more; short protein forms S1024T, S977T, S728T, S913T, S954T, S956T, S983T, S1021T.
Identifiers: ClinVar variation 224431 (VCV000224431.12), dbSNP rs757579891, ClinGen allele CA10575947.